The following is an entry in ClinVar:

ClinVar aggregate classification (germline): Uncertain significance. Review status: criteria provided, multiple submitters, no conflicts (2 of 4 stars). 2 submissions from 2 submitters: Uncertain significance (2). Last evaluated 2024-12-31.

Conditions:
NRP1-related disorder. Also called: NRP1-related condition.

gnomAD v4.1: 26 of 1,613,898 alleles (0.0016%); highest among the groups gnomAD compares: Non-Finnish European, 0.0021%; no homozygotes.

Submissions (2):

PreventionGenetics, part of Exact Sciences
Classification: Uncertain significance for NRP1-related condition. Last evaluated: 2024-12-31. Review status: criteria provided, single submitter. Criteria: ACMG Guidelines, 2015. Collection method: clinical testing. Allele origin: germline.
Comment: The NRP1 c.2114T>C variant is predicted to result in the amino acid substitution p.Val705Ala. To our knowledge, this variant has not been reported in the literature. This variant is reported in 0.0018% of alleles in individuals of European (Non-Finnish) descent in gnomAD. At this time, the clinical significance of this variant is uncertain due to the absence of conclusive functional and genetic evidence.

Ambry Genetics
Classification: Uncertain significance. Last evaluated: 2024-06-04. Review status: criteria provided, single submitter. Criteria: Ambry Variant Classification Scheme 2023. Collection method: clinical testing. Allele origin: germline.

NM_003873.7(NRP1):c.2114T>C (p.Val705Ala)

Gene: NRP1 (neuropilin 1; minus strand). Cytogenetic location: 10p11.22.
Variant type: single nucleotide variant.
Coding change: c.2114T>C on transcript NM_003873.7 (MANE Select); coding-DNA position 2114, T replaced by C.
Protein change: p.Val705Ala; replaces valine 705 with alanine.
Molecular consequence: missense variant. On other transcripts: non-coding transcript variant (1).
Genome position (GRCh38, 1-based): chr10:33,186,437, A>G on the plus strand (T>C on the coding strand, the complement: NRP1 is on the minus strand). VCF-style: chr10-33186437-A-G. GRCh37 (hg19) VCF-style: chr10-33475365-A-G.
Other names: c.2096T>C, p.Val699Ala (NM_001244972.2); c.2093T>C, p.Val698Ala (NM_001244973.2); c.2114T>C, p.Val705Ala (NM_001330068.2); short protein forms V698A, V705A, V699A.
Identifiers: ClinVar variation 3301071 (VCV003301071.2).